The following is an entry in ClinVar:

ClinVar aggregate classification (germline): Likely benign (1 of 4 stars; one submission).

gnomAD v4.1: 578 of 1,614,142 alleles (0.036%); highest among the groups gnomAD compares: South Asian, 0.53%; 3 homozygotes.

Submission:

CeGaT Center for Human Genetics Tuebingen
Classification: Likely benign. Last evaluated: 2025-05-01. Review status: criteria provided, single submitter. Criteria: CeGaT Center For Human Genetics Tuebingen Variant Classification Criteria Version 2. Collection method: clinical testing. Allele origin: germline. Affected: yes. Observed: 1 variant allele.
Comment: VPS35L: BP4, BP7

NM_020314.7(VPS35L):c.2505G>A (p.Thr835=)

Gene: VPS35L (VPS35 endosomal protein sorting factor like; plus strand). Cytogenetic location: 16p12.3.
Variant type: single nucleotide variant.
Coding change: c.2505G>A on transcript NM_020314.7 (MANE Select); coding-DNA position 2505, G replaced by A.
Protein change: p.Thr835=; no amino-acid change (threonine 835 retained).
Molecular consequence: synonymous variant. On other transcripts: non-coding transcript variant (2).
Genome position (GRCh38, 1-based): chr16:19,682,368, G>A. VCF-style: chr16-19682368-G-A. GRCh37 (hg19) VCF-style: chr16-19693690-G-A.
Other names: c.2226G>A, p.Thr742= (NM_001300743.3); c.2427G>A, p.Thr809= (NM_001365293.2); c.2304G>A, p.Thr768= (NM_001365294.2); c.1617G>A, p.Thr539= (NM_001365295.2).
Identifiers: ClinVar variation 3904925 (VCV003904925.10).
Genomic context (GRCh38, chr16:19,682,368, plus strand): 5'-TGAGAAAATCCGCATCTACACCTGCGTCCTGCATCTCCTCTCCGCCATGAGCCAGGAGAC[G>A]TACCTTTACCACATAGACAAAGGTAGCAGAGCCTCCCCCACCAAACCATGCTCCGCATGG-3'
Protein context (NP_064710.5, residues 825-845): LHLLSAMSQE[Thr835=]YLYHIDKVDS